The following is an entry in ClinVar:

ClinVar aggregate classification (germline): Uncertain significance (1 of 4 stars; one submission).

Submission:

Ambry Genetics
Classification: Uncertain significance. Last evaluated: 2023-12-15. Review status: criteria provided, single submitter. Criteria: Ambry Variant Classification Scheme 2023. Collection method: clinical testing. Allele origin: germline.
Comment: The p.T508A variant (also known as c.1522A>G), located in coding exon 14 of the RAD54L gene, results from an A to G substitution at nucleotide position 1522. The threonine at codon 508 is replaced by alanine, an amino acid with similar properties. This amino acid position is conserved. In addition, the in silico prediction for this alteration is inconclusive. Since supporting evidence is limited at this time, the clinical significance of this alteration remains unclear.

NM_003579.4(RAD54L):c.1522A>G (p.Thr508Ala)

Gene: RAD54L (RAD54 like; plus strand). Cytogenetic location: 1p34.1.
Variant type: single nucleotide variant.
Coding change: c.1522A>G on transcript NM_003579.4 (MANE Select); coding-DNA position 1522, A replaced by G.
Protein change: p.Thr508Ala; replaces threonine 508 with alanine.
Molecular consequence: missense variant.
Genome position (GRCh38, 1-based): chr1:46,273,659, A>G. VCF-style: chr1-46273659-A-G. GRCh37 (hg19) VCF-style: chr1-46739331-A-G.
Other names: c.1522A>G, p.Thr508Ala (NM_001142548.2); c.982A>G, p.Thr328Ala (NM_001370766.1); short protein forms T328A, T508A.
Identifiers: ClinVar variation 3223415 (VCV003223415.1), dbSNP rs1569614247, ClinGen allele CA340181958.